The following is an entry in ClinVar:

NM_000057.4(BLM):c.2556-7T>G

Gene: BLM (BLM RecQ like helicase; plus strand). Cytogenetic location: 15q26.1.
Variant type: single nucleotide variant.
Coding change: c.2556-7T>G on transcript NM_000057.4 (MANE Select); 7 bases into the intron before coding-DNA position 2556, T replaced by G.
Molecular consequence: intron variant.
Genome position (GRCh38, 1-based): chr15:90,782,815, T>G. VCF-style: chr15-90782815-T-G. GRCh37 (hg19) VCF-style: chr15-91326045-T-G.
Other names: c.2556-7T>G (NM_001287246.2, NM_001287247.2); c.1431-7T>G (NM_001287248.2).
Identifiers: ClinVar variation 3728763 (VCV003728763.2).

ClinVar aggregate classification (germline): Uncertain significance (1 of 4 stars; one submission).

Conditions:
Bloom syndrome (BLM). Also called: Bloom-Torre-Machacek syndrome. Identifiers: Orphanet 125, MedGen C0005859, MONDO:0008876, OMIM 210900.

Submission:

Labcorp Genetics (formerly Invitae), Labcorp
Classification: Uncertain significance for Bloom syndrome. Last evaluated: 2025-01-11. Review status: criteria provided, single submitter. Criteria: Invitae Variant Classification Sherloc (09022015). Collection method: clinical testing. Allele origin: germline.
Comment: This sequence change falls in intron 12 of the BLM gene. It does not directly change the encoded amino acid sequence of the BLM protein. This variant is not present in population databases (gnomAD no frequency). This variant has not been reported in the literature in individuals affected with BLM-related conditions. Algorithms developed to predict the effect of sequence changes on RNA splicing suggest that this variant may disrupt the consensus splice site. In summary, the available evidence is currently insufficient to determine the role of this variant in disease. Therefore, it has been classified as a Variant of Uncertain Significance.